The following is an entry in ClinVar:

ClinVar aggregate classification (germline): Uncertain significance (1 of 4 stars; one submission).

Conditions:
Inborn genetic diseases. Identifiers: MedGen C0950123, MeSH D030342.

Submission:

Ambry Genetics
Classification: Uncertain significance for Inborn genetic diseases. Last evaluated: 2026-06-04. Review status: criteria provided, single submitter. Criteria: Ambry Variant Classification Scheme 2023. Collection method: clinical testing. Allele origin: germline.
Comment: The p.T474A variant (also known as c.1420A>G), located in coding exon 7 of the SH2B3 gene, results from an A to G substitution at nucleotide position 1420. The threonine at codon 474 is replaced by alanine, an amino acid with similar properties. This amino acid position is conserved. In addition, this alteration is predicted to be tolerated by in silico analysis. Based on the available evidence, the clinical significance of this variant remains unclear.

NM_005475.3(SH2B3):c.1420A>G (p.Thr474Ala)

Gene: SH2B3 (SH2B adaptor protein 3; plus strand). Cytogenetic location: 12q24.12.
Variant type: single nucleotide variant.
Coding change: c.1420A>G on transcript NM_005475.3 (MANE Select); coding-DNA position 1420, A replaced by G.
Protein change: p.Thr474Ala; replaces threonine 474 with alanine.
Molecular consequence: missense variant.
Genome position (GRCh38, 1-based): chr12:111,447,994, A>G. VCF-style: chr12-111447994-A-G. GRCh37 (hg19) VCF-style: chr12-111885798-A-G.
Other names: c.814A>G, p.Thr272Ala (NM_001291424.1); short protein forms T272A, T474A.
Identifiers: ClinVar variation 4864462 (VCV004864462.1).